The following is an entry in ClinVar:

ClinVar aggregate classification (germline): Uncertain significance. Review status: criteria provided, multiple submitters, no conflicts (2 of 4 stars). 2 submissions from 2 submitters: Uncertain significance (2). Last evaluated 2025-10-21.

Conditions:
Oculofaciocardiodental syndrome (MCOPS2). Identifiers: Orphanet 2712, MedGen C1846265, MONDO:0010261, OMIM 300166.

Allele frequency attached by ClinVar (database versions not stated): ExAC 0.00001; gnomAD 0.00001 and 0.00005; gnomAD exomes 0.00001 and 0.00002; TOPMed 0.00002.
gnomAD v4.1: 15 of 1,209,361 alleles (0.0012%); highest among the groups gnomAD compares: Middle Eastern, 0.046%; no homozygotes.

Submissions (2):

Women's Health and Genetics/Laboratory Corporation of America, LabCorp
Classification: Uncertain significance. Last evaluated: 2025-10-21. Review status: criteria provided, single submitter. Criteria: LabCorp Variant Classification Summary - May 2015. Collection method: clinical testing. Allele origin: germline.
Comment: Variant summary: BCOR c.4013A>G (p.Glu1338Gly) results in a non-conservative amino acid change located in the non-ankyrin-repeat domain (IPR031628) of the encoded protein sequence. Algorithms developed to predict the effect of missense changes on protein structure and function are either unavailable or do not agree on the potential impact of this missense change. The variant allele was found at a frequency of 2.2e-05 in 179203 control chromosomes. The available data on variant occurrences in the general population are insufficient to allow any conclusion about variant significance. To our knowledge, no occurrence of c.4013A>G in individuals affected with BCOR-related conditions and no experimental evidence demonstrating its impact on protein function have been reported. ClinVar contains an entry for this variant (Variation ID: 663238). Based on the evidence outlined above, the variant was classified as uncertain significance.

Labcorp Genetics (formerly Invitae), Labcorp
Classification: Uncertain significance for Oculofaciocardiodental syndrome. Last evaluated: 2024-10-07. Review status: criteria provided, single submitter. Criteria: Invitae Variant Classification Sherloc (09022015). Collection method: clinical testing. Allele origin: germline.
Comment: This sequence change replaces glutamic acid, which is acidic and polar, with glycine, which is neutral and non-polar, at codon 1304 of the BCOR protein (p.Glu1304Gly). This variant is present in population databases (rs770784599, gnomAD 0.01%). This variant has not been reported in the literature in individuals affected with BCOR-related conditions. ClinVar contains an entry for this variant (Variation ID: 663238). Invitae Evidence Modeling of protein sequence and biophysical properties (such as structural, functional, and spatial information, amino acid conservation, physicochemical variation, residue mobility, and thermodynamic stability) indicates that this missense variant is not expected to disrupt BCOR protein function with a negative predictive value of 80%. In summary, the available evidence is currently insufficient to determine the role of this variant in disease. Therefore, it has been classified as a Variant of Uncertain Significance.

Literature cited by the submitters: PubMed 24047651 (cited by Women's Health and Genetics/Laboratory Corporation of America, LabCorp); PubMed 22012066 (cited by Women's Health and Genetics/Laboratory Corporation of America, LabCorp); PubMed 28827447 (cited by Women's Health and Genetics/Laboratory Corporation of America, LabCorp); PubMed 30333627 (cited by Women's Health and Genetics/Laboratory Corporation of America, LabCorp); PubMed 29663558 (cited by Women's Health and Genetics/Laboratory Corporation of America, LabCorp).

NM_001123385.2(BCOR):c.4013A>G (p.Glu1338Gly)

Gene: BCOR (BCL6 corepressor; minus strand). Cytogenetic location: Xp11.4.
Variant type: single nucleotide variant.
Coding change: c.4013A>G on transcript NM_001123385.2 (MANE Select); coding-DNA position 4013, A replaced by G.
Protein change: p.Glu1338Gly; replaces glutamic acid 1338 with glycine.
Molecular consequence: missense variant.
Genome position (GRCh38, 1-based): chrX:40,062,906, T>C on the plus strand (A>G on the coding strand, the complement: BCOR is on the minus strand). VCF-style: chrX-40062906-T-C. GRCh37 (hg19) VCF-style: chrX-39922159-T-C.
Other names: c.3911A>G, p.Glu1304Gly (NM_017745.6, NM_001123383.2); c.3857A>G, p.Glu1286Gly (NM_001123384.2); short protein forms E1286G, E1304G, E1338G.
Identifiers: ClinVar variation 663238 (VCV000663238.9), dbSNP rs770784599, ClinGen allele CA10386522.
Genomic context (GRCh38, chrX:40,062,906, plus strand): 5'-GATGGCTTCTCGCTGTTGTCGGTGTATTTCTGCAGCAGGGAGGCAGCCTGGCAATCCTCT[T>C]CTTCGTCTGCACACAGCACATCTGTCTTCTGGTTTTCTTTAATTTTCTGCTGTTTGGCAG-3'
Protein context (NP_001116857.1, residues 1328-1348): QKTDVLCADE[Glu1338Gly]EDCQAASLLQ